The following is an entry in ClinVar:

NM_004655.4(AXIN2):c.1780G>C (p.Ala594Pro)

Gene: AXIN2 (axin 2; minus strand). Cytogenetic location: 17q24.1.
Variant type: single nucleotide variant.
Coding change: c.1780G>C on transcript NM_004655.4 (MANE Select); coding-DNA position 1780, G replaced by C.
Protein change: p.Ala594Pro; replaces alanine 594 with proline.
Molecular consequence: missense variant. On other transcripts: intron variant (1).
Genome position (GRCh38, 1-based): chr17:65,536,996, C>G on the plus strand (G>C on the coding strand, the complement: AXIN2 is on the minus strand). VCF-style: chr17-65536996-C-G. GRCh37 (hg19) VCF-style: chr17-63533114-C-G.
Other names: c.1712+328G>C (NM_001363813.1); short protein forms A594P.
Identifiers: ClinVar variation 3981008 (VCV003981008.1).

ClinVar aggregate classification (germline): Uncertain significance (1 of 4 stars; one submission).

Conditions:
Hereditary cancer-predisposing syndrome. Also called: Tumor predisposition; Hereditary neoplastic syndrome; Neoplastic Syndromes, Hereditary; Hereditary Cancer Syndrome. Identifiers: Orphanet 140162, MedGen C0027672, MeSH D009386, MONDO:0015356.

gnomAD v4.1: 1 of 1,612,346 alleles (0.000062%); highest among the groups gnomAD compares: South Asian, 0.0011%; no homozygotes.

Submission:

Ambry Genetics
Classification: Uncertain significance for Hereditary cancer-predisposing syndrome. Last evaluated: 2025-04-18. Review status: criteria provided, single submitter. Criteria: Ambry Variant Classification Scheme 2023. Collection method: clinical testing. Allele origin: germline.
Comment: The p.A594P variant (also known as c.1780G>C), located in coding exon 6 of the AXIN2 gene, results from a G to C substitution at nucleotide position 1780. The alanine at codon 594 is replaced by proline, an amino acid with highly similar properties. This amino acid position is conserved. In addition, this alteration is predicted to be tolerated by in silico analysis. Based on the available evidence, the clinical significance of this variant remains unclear.